The following is an entry in ClinVar:

ClinVar aggregate classification (germline): Likely benign (1 of 4 stars; one submission).

Allele frequency attached by ClinVar (database versions not stated): 1000 Genomes Project 0.00280; 1000 Genomes Project 30x 0.00297; TOPMed 0.00480; gnomAD 0.00639 and 0.00686.
gnomAD v4.1: 1,003 of 152,210 alleles (0.66%); highest among the groups gnomAD compares: Non-Finnish European, 0.76%; 4 homozygotes.

Submission:

GeneDx
Classification: Likely benign. Last evaluated: 2021-06-21. Review status: criteria provided, single submitter. Criteria: GeneDx Variant Classification Process June 2021. Collection method: clinical testing. Allele origin: germline. Affected: yes.
Comment: See Variant Classification Assertion Criteria.

NM_001048174.2(MUTYH):c.-7+401C>T

Gene: MUTYH (mutY DNA glycosylase; minus strand). Cytogenetic location: 1p34.1.
Variant type: single nucleotide variant.
Coding change: c.-7+401C>T on transcript NM_001048174.2 (MANE Select); 401 bases into the intron after 7 bases upstream of the start codon, C replaced by T.
Molecular consequence: intron variant.
Genome position (GRCh38, 1-based): chr1:45,339,498, G>A on the plus strand (C>T on the coding strand, the complement: MUTYH is on the minus strand). VCF-style: chr1-45339498-G-A. GRCh37 (hg19) VCF-style: chr1-45805170-G-A.
Other names: c.-214+721C>T (NM_001350651.2); c.-219+721C>T (NM_001293192.2); c.-278+721C>T (NM_001350650.2); c.-7+721C>T (NM_001048171.2); c.36+721C>T (NM_001293190.2, NM_012222.3, NM_001128425.2); c.-219+478C>T (NM_001293196.2); c.-7+478C>T (NM_001048173.2, NM_001048172.2); c.-7+401C>T (NM_001293191.2); and 1 more.
Identifiers: ClinVar variation 1678669 (VCV001678669.2), dbSNP rs3219470, ClinGen allele CA21845814.